The following is an entry in ClinVar:

ClinVar aggregate classification (germline): Uncertain significance (1 of 4 stars; one submission).

Allele frequency attached by ClinVar (database versions not stated): ExAC 0.00001; gnomAD exomes 0.00001; TOPMed 0.00002.

Submission:

Labcorp Genetics (formerly Invitae), Labcorp
Classification: Uncertain significance. Last evaluated: 2023-03-18. Review status: criteria provided, single submitter. Criteria: Invitae Variant Classification Sherloc (09022015). Collection method: clinical testing. Allele origin: germline.
Comment: In summary, the available evidence is currently insufficient to determine the role of this variant in disease. Therefore, it has been classified as a Variant of Uncertain Significance. Advanced modeling of protein sequence and biophysical properties (such as structural, functional, and spatial information, amino acid conservation, physicochemical variation, residue mobility, and thermodynamic stability) performed at Invitae indicates that this missense variant is not expected to disrupt PMPCB protein function. This variant has not been reported in the literature in individuals affected with PMPCB-related conditions. This variant is present in population databases (rs751798654, gnomAD 0.009%). This sequence change replaces serine, which is neutral and polar, with cysteine, which is neutral and slightly polar, at codon 74 of the PMPCB protein (p.Ser74Cys).

NM_004279.3(PMPCB):c.221C>G (p.Ser74Cys)

Gene: PMPCB (peptidase, mitochondrial processing subunit beta; plus strand). Cytogenetic location: 7q22.1.
Variant type: single nucleotide variant.
Coding change: c.221C>G on transcript NM_004279.3 (MANE Select); coding-DNA position 221, C replaced by G.
Protein change: p.Ser74Cys; replaces serine 74 with cysteine.
Molecular consequence: missense variant.
Genome position (GRCh38, 1-based): chr7:103,298,689, C>G. VCF-style: chr7-103298689-C-G. GRCh37 (hg19) VCF-style: chr7-102939136-C-G.
Other names: short protein forms S74C.
Identifiers: ClinVar variation 2920359 (VCV002920359.3), dbSNP rs751798654, ClinGen allele CA4417862.